The following is an entry in ClinVar:

NM_015909.4(NBAS):c.2110G>T (p.Val704Leu)

Gene: NBAS (NBAS subunit of NRZ tethering complex; minus strand). Cytogenetic location: 2p24.3.
Variant type: single nucleotide variant.
Coding change: c.2110G>T on transcript NM_015909.4 (MANE Select); coding-DNA position 2110, G replaced by T.
Protein change: p.Val704Leu; replaces valine 704 with leucine.
Molecular consequence: missense variant. On other transcripts: non-coding transcript variant (1).
Genome position (GRCh38, 1-based): chr2:15,461,779, C>A on the plus strand (G>T on the coding strand, the complement: NBAS is on the minus strand). VCF-style: chr2-15461779-C-A. GRCh37 (hg19) VCF-style: chr2-15601903-C-A.
Other names: c.2110G>T (NM_015909.3); short protein forms V704L.
Identifiers: ClinVar variation 4702227 (VCV004702227.2).

ClinVar aggregate classification (germline): Uncertain significance. Review status: criteria provided, multiple submitters, no conflicts (2 of 4 stars). 2 submissions from 2 submitters: Uncertain significance (2). Last evaluated 2026-09-21.

Conditions:
NBAS-related disorder. Also called: NBAS-related condition.

gnomAD v4.1: 6 of 1,592,884 alleles (0.00038%); highest among the groups gnomAD compares: African/African-American, 0.0067%; no homozygotes.

Submissions (2):

PreventionGenetics, part of Exact Sciences
Classification: Uncertain significance for NBAS-related condition. Last evaluated: 2026-09-21. Review status: criteria provided, single submitter. Criteria: ACMG Guidelines, 2015. Collection method: clinical testing. Allele origin: germline.
Comment: The NBAS c.2110G>T variant is predicted to result in the amino acid substitution p.Val704Leu. To our knowledge, this variant has not been reported in the literature. This variant is absent in a large population database (gnomAD), indicating this variant is rare. At this time, the clinical significance of this variant is uncertain due to the absence of conclusive functional and genetic evidence.

Labcorp Genetics (formerly Invitae), Labcorp
Classification: Uncertain significance. Last evaluated: 2025-05-01. Review status: criteria provided, single submitter. Criteria: Invitae Variant Classification Sherloc (09022015). Collection method: clinical testing. Allele origin: germline.
Comment: This sequence change replaces valine, which is neutral and non-polar, with leucine, which is neutral and non-polar, at codon 704 of the NBAS protein (p.Val704Leu). This variant is not present in population databases (gnomAD no frequency). This variant has not been reported in the literature in individuals affected with NBAS-related conditions. Invitae Evidence Modeling of protein sequence and biophysical properties (such as structural, functional, and spatial information, amino acid conservation, physicochemical variation, residue mobility, and thermodynamic stability) indicates that this missense variant is not expected to disrupt NBAS protein function with a negative predictive value of 95%. In summary, the available evidence is currently insufficient to determine the role of this variant in disease. Therefore, it has been classified as a Variant of Uncertain Significance.